The following is an entry in ClinVar:

ClinVar aggregate classification (germline): Uncertain significance (1 of 4 stars; one submission).

Submission:

GeneDx
Classification: Uncertain significance. Last evaluated: 2024-04-06. Review status: criteria provided, single submitter. Criteria: GeneDx Variant Classification Process June 2021. Collection method: clinical testing. Allele origin: germline. Affected: yes.
Comment: Not observed at significant frequency in large population cohorts (gnomAD); In silico analysis supports that this missense variant has a deleterious effect on protein structure/function; Has not been previously reported as a pathogenic or benign germline variant to our knowledge; This variant is associated with the following publications: (PMID: 27282254)

NM_014159.7(SETD2):c.296A>G (p.Asp99Gly)

Gene: SETD2 (SET domain containing 2, histone lysine methyltransferase; minus strand). Cytogenetic location: 3p21.31.
Variant type: single nucleotide variant.
Coding change: c.296A>G on transcript NM_014159.7 (MANE Select); coding-DNA position 296, A replaced by G.
Protein change: p.Asp99Gly; replaces aspartic acid 99 with glycine.
Molecular consequence: missense variant. On other transcripts: non-coding transcript variant (1).
Genome position (GRCh38, 1-based): chr3:47,124,340, T>C on the plus strand (A>G on the coding strand, the complement: SETD2 is on the minus strand). VCF-style: chr3-47124340-T-C. GRCh37 (hg19) VCF-style: chr3-47165830-T-C.
Other names: c.164A>G, p.Asp55Gly (NM_001349370.3); short protein forms D55G, D99G.
Identifiers: ClinVar variation 3372159 (VCV003372159.1).